The following continues an entry in ClinVar:

NM_000334.4(SCN4A):c.3917G>A (p.Gly1306Glu)

ClinVar aggregate classification (germline): Pathogenic. Pathogenic (12).

Submissions 10 to 13 of 13:

Molecular Genetics, Royal Melbourne Hospital
Classification: Pathogenic for Paramyotonia congenita of Von Eulenburg. Last evaluated: 2020-06-26. Review status: criteria provided, single submitter. Criteria: ACMG Guidelines, 2015. Collection method: clinical testing. Allele origin: germline. Affected: yes.
Comment: This sequence change is predicted to replace glycine with glutamic acid at codon 1306 of the SCN4A protein (p.(Gly1306Glu)). The glycine residue is very highly conserved (100 vertebrates, UCSC), and is in the cytoplasmic ion transporter region, with a critical role in sodium channel inactivation (PM1, refer to OMIM #603967). There is a moderate physicochemical difference between glycine and glutamic acid. The variant is absent in a large population cohort (PM2, gnomAD v2.1.1 and v3). This variant has been previously reported in over 25 probands with myotonia (PS4, PMID 8308722, 23958773, 20713951, 16832098, 29774303, 25311598, 20076800, 29606556) and segregates with phenotype (PP1, PMID 16832098, 29774303). It has been reported as a de novo change in at least 12 families (PM6_VeryStrong, PMID 23958773, 20713951, 29774303). Functional studies support pathogenicity of the variant (PS3_Supporting, PMID 16392038, 30611854). Muscle biopsy studies demonstrate that p.(Gly1306Glu) affects electrophysiology (PMID 8308722). Multiple lines of computational evidence have conflicting predictions for the missense substitution. A different amino acid change at the same residue has been reported in three families with myotonia fluctuans (PMID 7980103). Based on the classification scheme RMH ACMG Guidelines v1.2.1, this variant has been classified as PATHOGENIC. The following criteria have been applied: PM6_VeryStrong, PS4, PM1, PM2, PP1, PS3_Supporting.

Revvity Omics, Revvity
Classification: Pathogenic. Last evaluated: 2019-10-01. Review status: criteria provided, single submitter. Criteria: ACMG Guidelines, 2015. Collection method: clinical testing. Allele origin: germline.

Neuberg Centre For Genomic Medicine, NCGM
Classification: Pathogenic for Potassium-aggravated myotonia. Review status: criteria provided, single submitter. Criteria: ACMG Guidelines, 2015. Collection method: clinical testing. Allele origin: germline. Affected: yes.
Comment: The missense variant p.G1306E in SCN4A (NM_000334.4) has been previously reported in heterozygous state in affected individuals (Singh RR et al; Lion-Francois L).Functional studies suggest a damaging effect (Groome JR et al). A different missense substitution at this codon (p.Gly1306Ala) has been determined to be pathogenic (Torbergsen T et al). The variant has been submitted to ClinVar as Pathogenic. The p.G1306E variant is novel (not in any individuals) in gnomAD Exomes and is novel (not in any individuals) in 1000 Genomes. The p.G1306E missense variant is predicted to be damaging by both SIFT and PolyPhen2. The glycine residue at codon 1306 of SCN4A is conserved in all mammalian species. The nucleotide c.3917 in SCN4A is predicted conserved by GERP++ and PhyloP across 100 vertebrates. For these reasons, this variant has been classified as Pathogenic.

OMIM
Classification: Pathogenic for MYOTONIA PERMANENS. Last evaluated: 2006-07-11. Review status: no assertion criteria provided. Collection method: literature only. Allele origin: germline. Not counted in ClinVar's aggregate classification.

Literature cited by the submitters: PubMed 32509969 (cited by Victorian Clinical Genetics Services, Murdoch Childrens Research Institute); PubMed 20301669 (cited by Victorian Clinical Genetics Services, Murdoch Childrens Research Institute); PubMed 26700687 (cited by Victorian Clinical Genetics Services, Murdoch Childrens Research Institute); PubMed 8308722 (cited by 5 submitters); PubMed 16832098 (cited by 4 submitters); PubMed 20713951 (cited by 4 submitters); PubMed 25088311 (cited by Labcorp Genetics (formerly Invitae), Labcorp and Athena Diagnostics); PubMed 25311598 (cited by 3 submitters); PubMed 26944947 (cited by Labcorp Genetics (formerly Invitae), Labcorp and Athena Diagnostics); PubMed 7473241 (cited by Labcorp Genetics (formerly Invitae), Labcorp and Athena Diagnostics); PubMed 16392038 (cited by 3 submitters); PubMed 7980103 (cited by 3 submitters); PubMed 26080010 (cited by Labcorp Genetics (formerly Invitae), Labcorp); PubMed 1310898 (cited by 3billion); PubMed 32593548 (cited by Athena Diagnostics); PubMed 30611854 (cited by Athena Diagnostics and Molecular Genetics, Royal Melbourne Hospital); PubMed 32849172 (cited by Athena Diagnostics); PubMed 33084218 (cited by Athena Diagnostics); PubMed 29606556 (cited by Athena Diagnostics and Molecular Genetics, Royal Melbourne Hospital); PubMed 29774303 (cited by Athena Diagnostics and Molecular Genetics, Royal Melbourne Hospital); PubMed 23052413 (cited by Athena Diagnostics); PubMed 18166706 (cited by Athena Diagnostics); PubMed 20076800 (cited by Athena Diagnostics and Molecular Genetics, Royal Melbourne Hospital); PubMed 23958773 (cited by Athena Diagnostics and Molecular Genetics, Royal Melbourne Hospital); PubMed 36796140 (cited by Athena Diagnostics).